The following is an entry in ClinVar:

NM_003798.4(CTNNAL1):c.1298T>G (p.Leu433Trp)

Gene: CTNNAL1 (catenin alpha like 1; minus strand). Cytogenetic location: 9q31.3.
Variant type: single nucleotide variant.
Coding change: c.1298T>G on transcript NM_003798.4 (MANE Select); coding-DNA position 1298, T replaced by G.
Protein change: p.Leu433Trp; replaces leucine 433 with tryptophan.
Molecular consequence: missense variant.
Genome position (GRCh38, 1-based): chr9:108,972,724, A>C on the plus strand (T>G on the coding strand, the complement: CTNNAL1 is on the minus strand). VCF-style: chr9-108972724-A-C. GRCh37 (hg19) VCF-style: chr9-111735004-A-C.
Other names: c.1298T>G, p.Leu433Trp (NM_001286974.2); short protein forms L433W.
Identifiers: ClinVar variation 2271842 (VCV002271842.3), dbSNP rs761895523, ClinGen allele CA5176067.

ClinVar aggregate classification (germline): Uncertain significance (1 of 4 stars; one submission).

Allele frequency attached by ClinVar (database versions not stated): gnomAD 0.00001; TOPMed 0.00001; ExAC 0.00001; gnomAD exomes below 0.00001.
gnomAD v4.1: 4 of 1,613,928 alleles (0.00025%); highest among the groups gnomAD compares: Middle Eastern, 0.016%; no homozygotes.

Submission:

Ambry Genetics
Classification: Uncertain significance. Last evaluated: 2025-11-20. Review status: criteria provided, single submitter. Criteria: Ambry Variant Classification Scheme 2023. Collection method: clinical testing. Allele origin: germline.
Comment: The c.1298T>G (p.L433W) alteration is located in exon 9 (coding exon 9) of the CTNNAL1 gene. This alteration results from a T to G substitution at nucleotide position 1298, causing the leucine (L) at amino acid position 433 to be replaced by a tryptophan (W). Based on data from gnomAD, the G allele has an overall frequency of 0.001% (2/282544) total alleles studied. The highest observed frequency was 0.01% (2/19948) of East Asian alleles. Based on insufficient or conflicting evidence, the clinical significance of this alteration remains unclear.